The following is an entry in ClinVar:

ClinVar aggregate classification (germline): Uncertain significance (1 of 4 stars; one submission).

Allele frequency attached by ClinVar (database versions not stated): gnomAD exomes below 0.00001.

Submission:

Ambry Genetics
Classification: Uncertain significance. Last evaluated: 2024-09-30. Review status: criteria provided, single submitter. Criteria: Ambry Variant Classification Scheme 2023. Collection method: clinical testing. Allele origin: germline.
Comment: The p.I21V variant (also known as c.61A>G), located in coding exon 1 of the PDLIM3 gene, results from an A to G substitution at nucleotide position 61. The isoleucine at codon 21 is replaced by valine, an amino acid with highly similar properties. This amino acid position is conserved. In addition, this alteration is predicted to be tolerated by in silico analysis. Since supporting evidence is limited at this time, the clinical significance of this alteration remains unclear.

NM_014476.6(PDLIM3):c.61A>G (p.Ile21Val)

Gene: PDLIM3 (PDZ and LIM domain 3; minus strand). Cytogenetic location: 4q35.1.
Variant type: single nucleotide variant.
Coding change: c.61A>G on transcript NM_014476.6 (MANE Select); coding-DNA position 61, A replaced by G.
Protein change: p.Ile21Val; replaces isoleucine 21 with valine.
Molecular consequence: missense variant. On other transcripts: non-coding transcript variant (1).
Genome position (GRCh38, 1-based): chr4:185,535,374, T>C on the plus strand (A>G on the coding strand, the complement: PDLIM3 is on the minus strand). VCF-style: chr4-185535374-T-C. GRCh37 (hg19) VCF-style: chr4-186456528-T-C.
Other names: c.61A>G, p.Ile21Val (NM_001114107.5, NM_001257962.2, NM_001257963.2); short protein forms I21V.
Identifiers: ClinVar variation 1752163 (VCV001752163.3), dbSNP rs2095751920, ClinGen allele CA358932553.